The following is an entry in ClinVar:

ClinVar aggregate classification (germline): Uncertain significance. Review status: criteria provided, multiple submitters, no conflicts (2 of 4 stars). 2 submissions from 2 submitters: Uncertain significance (2). Last evaluated 2024-08-21.

Conditions:
Brugada syndrome 8 (BRGDA8). Identifiers: Orphanet 130, MedGen C2751083, MONDO:0013148, OMIM 613123.

Submissions (2):

Mayo Clinic Laboratories, Mayo Clinic
Classification: Uncertain significance. Last evaluated: 2024-08-21. Review status: criteria provided, single submitter. Criteria: ACMG Guidelines, 2015. Collection method: clinical testing. Allele origin: germline. Observed: 1 variant allele.
Comment: BP4, PM2

Labcorp Genetics (formerly Invitae), Labcorp
Classification: Uncertain significance for Brugada syndrome 8. Last evaluated: 2024-07-17. Review status: criteria provided, single submitter. Criteria: Invitae Variant Classification Sherloc (09022015). Collection method: clinical testing. Allele origin: germline.
Comment: This sequence change replaces glycine, which is neutral and non-polar, with valine, which is neutral and non-polar, at codon 1013 of the HCN4 protein (p.Gly1013Val). This variant is not present in population databases (gnomAD no frequency). This variant has not been reported in the literature in individuals affected with HCN4-related conditions. Advanced modeling of protein sequence and biophysical properties (such as structural, functional, and spatial information, amino acid conservation, physicochemical variation, residue mobility, and thermodynamic stability) performed at Invitae indicates that this missense variant is not expected to disrupt HCN4 protein function with a negative predictive value of 95%. In summary, the available evidence is currently insufficient to determine the role of this variant in disease. Therefore, it has been classified as a Variant of Uncertain Significance.

NM_005477.3(HCN4):c.3038G>T (p.Gly1013Val)

Gene: HCN4 (hyperpolarization activated cyclic nucleotide gated potassium channel 4; minus strand). Cytogenetic location: 15q24.1.
Variant type: single nucleotide variant.
Coding change: c.3038G>T on transcript NM_005477.3 (MANE Select); coding-DNA position 3038, G replaced by T.
Protein change: p.Gly1013Val; replaces glycine 1013 with valine.
Molecular consequence: missense variant.
Genome position (GRCh38, 1-based): chr15:73,323,055, C>A on the plus strand (G>T on the coding strand, the complement: HCN4 is on the minus strand). VCF-style: chr15-73323055-C-A. GRCh37 (hg19) VCF-style: chr15-73615396-C-A.
Other names: p.Gly1013Val; short protein forms G1013V.
Identifiers: ClinVar variation 3380307 (VCV003380307.3).